The following is an entry in ClinVar:

ClinVar aggregate classification (germline): Benign/Likely benign. Review status: criteria provided, multiple submitters, no conflicts (2 of 4 stars). 6 submissions from 6 submitters: Benign (1); Likely benign (5). Last evaluated 2026-01-20.

Conditions:
Hereditary cancer-predisposing syndrome. Also called: Tumor predisposition; Neoplastic Syndromes, Hereditary; Hereditary neoplastic syndrome; Hereditary Cancer Syndrome. Identifiers: Orphanet 140162, MedGen C0027672, MeSH D009386, MONDO:0015356.
Breast-ovarian cancer, familial, susceptibility to, 3. Also called: RAD51C-Related Breast/Ovarian Cancer. Identifiers: Orphanet 145, MedGen C3150659, MONDO:0013253, OMIM 613399.
Fanconi anemia complementation group O. Also called: RAD51C-Related Fanconi Anemia. Identifiers: Orphanet 84, MedGen C3150653, MONDO:0013248, OMIM 613390.

Allele frequency attached by ClinVar (database versions not stated): gnomAD exomes below 0.00001.

Submissions (6):

Labcorp Genetics (formerly Invitae), Labcorp
Classification: Likely benign for Fanconi anemia complementation group O. Last evaluated: 2026-01-20. Review status: criteria provided, single submitter. Criteria: Invitae Variant Classification Sherloc (09022015). Collection method: clinical testing. Allele origin: germline.

Myriad Genetics, Inc.
Classification: Benign for Breast-ovarian cancer, familial, susceptibility to, 3. Last evaluated: 2025-02-14. Review status: criteria provided, single submitter. Criteria: Myriad Autosomal Dominant, Autosomal Recessive and X-Linked Classification Criteria (2023). Collection method: clinical testing. Allele origin: unknown.
Comment: This variant is considered benign. This variant is a silent/synonymous amino acid change and it is not expected to impact splicing.

Blueprint Genetics
Classification: Likely benign. Last evaluated: 2024-09-17. Review status: criteria provided, single submitter. Criteria: ACMG Guidelines, 2015. Collection method: clinical testing. Allele origin: germline.

Color Diagnostics, LLC DBA Color Health
Classification: Likely benign for Hereditary cancer-predisposing syndrome. Last evaluated: 2021-04-20. Review status: criteria provided, single submitter. Criteria: ACMG Guidelines, 2015. Collection method: clinical testing. Allele origin: germline.

Mendelics
Classification: Likely benign for Fanconi anemia complementation group O. Last evaluated: 2019-05-28. Review status: criteria provided, single submitter. Criteria: Mendelics Assertion Criteria 2017. Collection method: clinical testing. Allele origin: unknown.

Ambry Genetics
Classification: Likely benign for Hereditary cancer-predisposing syndrome. Last evaluated: 2015-02-28. Review status: criteria provided, single submitter. Criteria: Ambry Variant Classification Scheme 2023. Collection method: clinical testing. Allele origin: germline.

NM_058216.3(RAD51C):c.262C>T (p.Leu88=)

Gene: RAD51C (RAD51 paralog C; plus strand). Cytogenetic location: 17q22.
Variant type: single nucleotide variant.
Coding change: c.262C>T on transcript NM_058216.3 (MANE Select); coding-DNA position 262, C replaced by T.
Protein change: p.Leu88=; no amino-acid change (leucine 88 retained).
Molecular consequence: synonymous variant. On other transcripts: non-coding transcript variant (2).
Genome position (GRCh38, 1-based): chr17:58,695,047, C>T. VCF-style: chr17-58695047-C-T. GRCh37 (hg19) VCF-style: chr17-56772408-C-T.
Other names: c.262C>T, p.Leu88= (NM_002876.4).
Identifiers: ClinVar variation 184292 (VCV000184292.21), dbSNP rs786201383, ClinGen allele CA188503.